The following is an entry in ClinVar:

NM_000199.5(SGSH):c.1260del (p.Thr421fs)

Gene: SGSH (N-sulfoglucosamine sulfohydrolase; minus strand). Cytogenetic location: 17q25.3.
Variant type: Deletion.
Coding change: c.1260del on transcript NM_000199.5 (MANE Select); coding-DNA position 1260, one base deleted (C; older notation c.1260delC).
Protein change: p.Thr421fs; shifts the reading frame from threonine 421.
Molecular consequence: frameshift variant. On other transcripts: 3 prime UTR variant (2), non-coding transcript variant (1).
Genome position (GRCh38, 1-based): chr17:80,210,701, G deleted on the plus strand (C on the coding strand, the reverse complement: SGSH is on the minus strand); the first of 3 consecutive G bases (chr17:80,210,701-80,210,703); deleting any one gives the same sequence. VCF-style (leftmost placement, unchanged base first): chr17-80210700-TG-T. GRCh37 (hg19) VCF-style: chr17-78184499-TG-T.
Other names: c.*347del (NM_001352921.3); c.*310del (NM_001352922.2); short protein forms T421fs.
Identifiers: ClinVar variation 2710788 (VCV002710788.3), dbSNP rs2510857875, ClinGen allele CA2697555251.

ClinVar aggregate classification (germline): Pathogenic (1 of 4 stars; one submission).

Conditions:
Mucopolysaccharidosis, MPS-III-A (MPS3A). Also called: HEPARAN SULFATE SULFATASE DEFICIENCY; SANFILIPPO SYNDROME A; SULFAMIDASE DEFICIENCY; MPS III A; Mucopolysaccharidosis type IIIA (Sanfilippo A); MUCOPOLYSACCHARIDOSIS, TYPE IIIA, ATTENUATED. Identifiers: Orphanet 581, Orphanet 79269, MedGen C0086647, MONDO:0009655, OMIM 252900.

Submission:

Labcorp Genetics (formerly Invitae), Labcorp
Classification: Pathogenic for Mucopolysaccharidosis, MPS-III-A. Last evaluated: 2024-01-22. Review status: criteria provided, single submitter. Criteria: Invitae Variant Classification Sherloc (09022015). Collection method: clinical testing. Allele origin: germline.
Comment: This sequence change results in a frameshift in the SGSH gene (p.Thr421Argfs*170). While this is not anticipated to result in nonsense mediated decay, it is expected to disrupt the last 82 amino acid(s) of the SGSH protein and extend the protein by 87 additional amino acid residues. This variant is not present in population databases (gnomAD no frequency). This variant has not been reported in the literature in individuals affected with SGSH-related conditions. This variant disrupts a region of the SGSH protein in which other variant(s) (p.Asp477Glu) have been determined to be pathogenic (PMID: 21204211). This suggests that this is a clinically significant region of the protein, and that variants that disrupt it are likely to be disease-causing. For these reasons, this variant has been classified as Pathogenic.

Literature cited by the submitters: PubMed 21204211.